The following is an entry in ClinVar:

NM_005633.4(SOS1):c.2673+14T>C

Gene: SOS1 (SOS Ras/Rac guanine nucleotide exchange factor 1; minus strand). Cytogenetic location: 2p22.1.
Variant type: single nucleotide variant.
Coding change: c.2673+14T>C on transcript NM_005633.4 (MANE Select); 14 bases into the intron after coding-DNA position 2673, T replaced by C.
Molecular consequence: intron variant.
Genome position (GRCh38, 1-based): chr2:39,007,017, A>G on the plus strand (T>C on the coding strand, the complement: SOS1 is on the minus strand). VCF-style: chr2-39007017-A-G. GRCh37 (hg19) VCF-style: chr2-39234158-A-G.
Other names: c.2652+14T>C (NM_001382394.1); c.2673+14T>C (NM_001382395.1, NM_005633.3).
Identifiers: ClinVar variation 45353 (VCV000045353.37), dbSNP rs183998234, ClinGen allele CA136107.
Genomic context (GRCh38, chr2:39,007,017, plus strand): 5'-ATAATAATTGTTAAAAATCTAATTTTTCTAATAGGGAATGAAAGTTCATTTTAAAAACAC[A>G]TGTAGAAACCTACCTCAAATGTGTGGTCTAGTCTGTAAACAGGTGATGAATTCATAGCAC-3'

ClinVar aggregate classification (germline): Benign. Review status: reviewed by expert panel (3 of 4 stars). 15 submissions from 14 submitters: Benign (1). 14 of the submissions do not count toward it. Last evaluated 2019-08-27.

Conditions:
RASopathy. Also called: rasopathies; Noonan spectrum disorder. Identifiers: Orphanet 536391, MedGen C5555857, MONDO:0021060.
Fibromatosis, gingival, 1 (GINGF1). Identifiers: Orphanet 2024, MedGen C4551558, MONDO:0007609, OMIM 135300.
Noonan syndrome 4 (NS4). Also called: NOONAN SYNDROME WITH PIGMENTED VILLONODULAR SYNOVITIS; SOS1-Related Noonan Syndrome. Identifiers: Orphanet 648, MedGen C1853120, MONDO:0012547, OMIM 610733.
Hypertrophic cardiomyopathy. Also called: HYPERTROPHIC MYOCARDIOPATHY. Identifiers: Orphanet 217569, MedGen C0007194, MeSH D002312, MONDO:0005045, HP:0001639.

Allele frequency attached by ClinVar (database versions not stated): 1000 Genomes Project 0.00140; 1000 Genomes Project 30x 0.00156; gnomAD exomes 0.00205 and 0.00342; ExAC 0.00209; gnomAD 0.00249 and 0.00304; ESP Exome Variant Server 0.00277; TOPMed 0.00289.
gnomAD v4.1: 5,304 of 1,580,350 alleles (0.34%); highest among the groups gnomAD compares: Non-Finnish European, 0.42%; 22 homozygotes.

Submissions (15):

ClinGen RASopathy Variant Curation Expert Panel
Classification: Benign for RASopathy. Last evaluated: 2019-08-27. Review status: reviewed by expert panel. Criteria: ClinGen RASopathy ACMG Specifications v1. Collection method: curation. Allele origin: germline. Inheritance: Autosomal dominant inheritance.
Comment: The c.2673+14T>C intronic variant in SOS1 is classified as benign because it has been identified in 0.34596% (lower bound of the 95% CI of 481/128770) of non-Finnish European chromosomes in gnomAD (BA1). This variant was observed in 1 individual with Noonan syndrome who also carried a pathogenic variant in SHOC2 sufficient to explain their clinical presentation (BP5; SCV000062214.5). ACMG/AMP Criteria applied: BA1, BP5.

Labcorp Genetics (formerly Invitae), Labcorp
Classification: Benign for RASopathy. Last evaluated: 2026-02-04. Review status: criteria provided, single submitter. Criteria: Invitae Variant Classification Sherloc (09022015). Collection method: clinical testing. Allele origin: germline. Not counted in ClinVar's aggregate classification.

ARUP Laboratories, Molecular Genetics and Genomics, ARUP Laboratories
Classification: Benign. Last evaluated: 2025-03-31. Review status: criteria provided, single submitter. Criteria: ARUP Molecular Germline Variant Investigation Process 2024. Collection method: clinical testing. Allele origin: germline. Not counted in ClinVar's aggregate classification.

Blueprint Genetics
Classification: Likely benign. Last evaluated: 2024-11-25. Review status: criteria provided, single submitter. Criteria: ACMG Guidelines, 2015. Collection method: clinical testing. Allele origin: germline. Not counted in ClinVar's aggregate classification.

Fulgent Genetics
Classification: Likely benign for Fibromatosis, gingival, 1; Noonan syndrome 4. Last evaluated: 2021-08-12. Review status: criteria provided, single submitter. Criteria: ACMG Guidelines, 2015. Collection method: clinical testing. Allele origin: unknown. Not counted in ClinVar's aggregate classification.

Women's Health and Genetics/Laboratory Corporation of America, LabCorp
Classification: Benign. Last evaluated: 2019-09-25. Review status: criteria provided, single submitter. Criteria: LabCorp Variant Classification Summary - May 2015. Collection method: clinical testing. Allele origin: germline. Not counted in ClinVar's aggregate classification.
Comment: Variant summary: SOS1 c.2673+14T>C alters a non-conserved nucleotide located close to a canonical splice site and therefore could affect mRNA splicing, leading to a significantly altered protein sequence. 5/5 computational tools predict no significant impact on normal splicing. However, these predictions have yet to be confirmed by functional studies. The variant allele was found at a frequency of 0.0021 in 250818 control chromosomes, predominantly at a frequency of 0.0037 within the Non-Finnish European subpopulation in the gnomAD database, including 1 homozygotes. The observed variant frequency within Non-Finnish European control individuals in the gnomAD database is approximately 123-folds over the estimated maximal expected allele frequency for a pathogenic variant in SOS1 causing Noonan Syndrome and Related Conditions phenotype (3e-05), strongly suggesting that the variant is a benign polymorphism found primarily in populations of Non-Finnish European origin. c.2673+14T>C has been reported in the literature in individuals affected with Noonan Syndrome and Related Conditions (Lepri_2011). However, authors indicate the variant is unrelated to disease. A ClinVar submission (evaluation after 2014) cites the variant as uncertain significance. Based on the evidence outlined above, the variant was classified as benign.

Center for Advanced Laboratory Medicine, UC San Diego Health, University of California San Diego
Classification: Likely benign for Hypertrophic cardiomyopathy. Last evaluated: 2019-04-01. Review status: criteria provided, single submitter. Criteria: ACMG Guidelines, 2015. Collection method: clinical testing. Allele origin: germline. Affected: yes. Observed: 1 variant allele. Not counted in ClinVar's aggregate classification.

Illumina Laboratory Services, Illumina
Classification: Likely benign for Noonan syndrome 4. Last evaluated: 2018-01-13. Review status: criteria provided, single submitter. Criteria: ICSL Variant Classification Criteria 13 December 2019. Collection method: clinical testing. Allele origin: germline. Not counted in ClinVar's aggregate classification.
Comment: This variant was observed in the ICSL laboratory as part of a predisposition screen in an ostensibly healthy population. It had not been previously curated by ICSL or reported in the Human Gene Mutation Database (HGMD: prior to June 1st, 2018), and was therefore a candidate for classification through an automated scoring system. Utilizing variant allele frequency, disease prevalence and penetrance estimates, and inheritance mode, an automated score was calculated to assess if this variant is too frequent to cause the disease. Based on the score and internal cut-off values, a variant classified as likely benign is not then subjected to further curation. The score for this variant resulted in a classification of likely benign for this disease.

Illumina Laboratory Services, Illumina
Classification: Benign for Fibromatosis, gingival, 1. Last evaluated: 2018-01-13. Review status: criteria provided, single submitter. Criteria: ICSL Variant Classification Criteria 13 December 2019. Collection method: clinical testing. Allele origin: germline. Not counted in ClinVar's aggregate classification.
Comment: This variant was observed in the ICSL laboratory as part of a predisposition screen in an ostensibly healthy population. It had not been previously curated by ICSL or reported in the Human Gene Mutation Database (HGMD: prior to June 1st, 2018), and was therefore a candidate for classification through an automated scoring system. Utilizing variant allele frequency, disease prevalence and penetrance estimates, and inheritance mode, an automated score was calculated to assess if this variant is too frequent to cause the disease. Based on the score and internal cut-off values, a variant classified as benign is not then subjected to further curation. The score for this variant resulted in a classification of benign for this disease.

GeneDx
Classification: Benign. Last evaluated: 2012-05-11. Review status: criteria provided, single submitter. Criteria: GeneDx Variant Classification (06012015). Collection method: clinical testing. Allele origin: germline. Affected: yes. Not counted in ClinVar's aggregate classification.
Comment: This variant is considered likely benign or benign based on one or more of the following criteria: it is a conservative change, it occurs at a poorly conserved position in the protein, it is predicted to be benign by multiple in silico algorithms, and/or has population frequency not consistent with disease.

Laboratory for Molecular Medicine, Mass General Brigham Personalized Medicine
Classification: Benign. Last evaluated: 2012-03-19. Review status: criteria provided, single submitter. Criteria: LMM Criteria. Collection method: clinical testing. Allele origin: germline. Observed: 6 variant alleles. Not counted in ClinVar's aggregate classification.
Comment: c.2673+14T>C in Intron 16 of SOS1: This variant is not expected to have clinical significance because it is not located within the splice consensus sequence and has been identified in 0.4% (25/7020) of European American chromosomes from a b road population by the NHLBI Exome Sequencing Project (. edu/EVS;).

PreventionGenetics, part of Exact Sciences
Classification: Likely benign. Review status: criteria provided, single submitter. Criteria: ACMG Guidelines, 2015. Collection method: clinical testing. Allele origin: germline. Not counted in ClinVar's aggregate classification.

Clinical Genetics, Academic Medical Center
Classification: Benign. Review status: no assertion criteria provided. Collection method: clinical testing. Allele origin: germline. Affected: yes. Study: VKGL Data-share Consensus. Not counted in ClinVar's aggregate classification.

Genome Diagnostics Laboratory, University Medical Center Utrecht
Classification: Likely benign. Review status: no assertion criteria provided. Collection method: clinical testing. Allele origin: germline. Affected: yes. Study: VKGL Data-share Consensus. Not counted in ClinVar's aggregate classification.

Joint Genome Diagnostic Labs from Nijmegen and Maastricht, Radboudumc and MUMC+
Classification: Likely benign. Review status: no assertion criteria provided. Collection method: clinical testing. Allele origin: germline. Affected: yes. Study: VKGL Data-share Consensus. Not counted in ClinVar's aggregate classification.

Literature cited by the submitters: PubMed 21387466 (cited by ClinGen RASopathy Variant Curation Expert Panel and Women's Health and Genetics/Laboratory Corporation of America, LabCorp).